The following is an entry in ClinVar:

ClinVar aggregate classification (germline): Pathogenic (1 of 4 stars; one submission).

Conditions:
Methylmalonic aciduria and homocystinuria type cblF. Also called: VITAMIN B12 LYSOSOMAL RELEASE DEFECT; VITAMIN B12 STORAGE DISEASE; COBALAMIN F DISEASE; COBALAMIN, DEFECT IN LYSOSOMAL RELEASE OF; METHYLMALONIC ACIDEMIA AND HOMOCYSTINURIA, cblF TYPE; METHYLMALONIC ACIDURIA DUE TO VITAMIN B12-RELEASE DEFECT. Identifiers: Orphanet 79284, MedGen C1848578, MONDO:0010183, OMIM 277380.

Allele frequency attached by ClinVar (database versions not stated): gnomAD exomes below 0.00001; ExAC 0.00001.

Submission:

Labcorp Genetics (formerly Invitae), Labcorp
Classification: Pathogenic for Methylmalonic aciduria and homocystinuria type cblF. Last evaluated: 2023-10-19. Review status: criteria provided, single submitter. Criteria: Invitae Variant Classification Sherloc (09022015). Collection method: clinical testing. Allele origin: germline.
Comment: This sequence change creates a premature translational stop signal (p.Tyr120Thrfs*30) in the LMBRD1 gene. It is expected to result in an absent or disrupted protein product. Loss-of-function variants in LMBRD1 are known to be pathogenic (PMID: 19136951, 21303734). This variant is present in population databases (rs768207964, gnomAD 0.006%). This variant has not been reported in the literature in individuals affected with LMBRD1-related conditions. For these reasons, this variant has been classified as Pathogenic.

Literature cited by the submitters: PubMed 19136951; PubMed 21303734.

NM_018368.4(LMBRD1):c.358del (p.Tyr120fs)

Gene: LMBRD1 (LMBR1 domain containing 1; minus strand). Cytogenetic location: 6q13.
Variant type: Deletion.
Coding change: c.358del on transcript NM_018368.4 (MANE Select); coding-DNA position 358, one base deleted (T; older notation c.358delT).
Protein change: p.Tyr120fs; shifts the reading frame from tyrosine 120.
Molecular consequence: frameshift variant.
Genome position (GRCh38, 1-based): chr6:69,752,306, A deleted on the plus strand (T on the coding strand, the reverse complement: LMBRD1 is on the minus strand). VCF-style (leftmost placement, unchanged base first): chr6-69752305-TA-T. GRCh37 (hg19) VCF-style: chr6-70462197-TA-T.
Other names: c.139del, p.Tyr47fs (NM_001363722.2, NM_001367271.1, NM_001367272.1); short protein forms Y47fs, Y120fs.
Identifiers: ClinVar variation 2712623 (VCV002712623.3), dbSNP rs768207964, ClinGen allele CA3879927.
Genomic context (GRCh38, chr6:69,752,305, plus strand): 5'-ATAAAGATACTTACAGTACATTTACTAGTATCATCATCATCCTTTTCTTCATAATAGAAG[TA>T]GACAAAAGGGATCCAGAAGAACACACAGAACAATATAACAGAATATAAAGCTGTGGAAAT-3'